The following is an entry in ClinVar:

NM_001457.4(FLNB):c.1697G>A (p.Arg566Gln)

Gene: FLNB (filamin B; plus strand). Cytogenetic location: 3p14.3.
Variant type: single nucleotide variant.
Coding change: c.1697G>A on transcript NM_001457.4 (MANE Select); coding-DNA position 1697, G replaced by A.
Protein change: p.Arg566Gln; replaces arginine 566 with glutamine.
Molecular consequence: missense variant.
Genome position (GRCh38, 1-based): chr3:58,105,166, G>A. VCF-style: chr3-58105166-G-A. GRCh37 (hg19) VCF-style: chr3-58090893-G-A.
Other names: c.1697G>A, p.Arg566Gln (NM_001164317.2, NM_001164318.2, NM_001164319.2); short protein forms R566Q.
Identifiers: ClinVar variation 900531 (VCV000900531.39), dbSNP rs150747960, ClinGen allele CA2467901.
Genomic context (GRCh38, chr3:58,105,166, plus strand): 5'-AAGCGGGTATGCAGAAAGTCCGTGCTTGGGGCCCTGGGCTCCATGGTGGGATTGTCGGGC[G>A]GTCAGCGGACTTCGTGGTAGAATCCATTGGCTCTGAAGTGGGGTCTCTGGGTAAGTGGAC-3'
Protein context (NP_001448.2, residues 556-576): GPGLHGGIVG[Arg566Gln]SADFVVESIG

ClinVar aggregate classification (germline): Conflicting classifications of pathogenicity. Review status: criteria provided, conflicting classifications (1 of 4 stars). 7 submissions from 7 submitters: Uncertain significance (3); Likely benign (4). Last evaluated 2026-02-01.

Conditions:
Connective tissue disorder. Also called: Connective tissue disease. Identifiers: MedGen C0009782, MONDO:0003900.
FLNB-related disorder. Also called: FLNB-related disorders; FLNB-related condition. Identifiers: MedGen CN381095.
FLNB-Related Spectrum Disorders.

Allele frequency attached by ClinVar (database versions not stated): gnomAD exomes 0.00065; ExAC 0.00070; ESP Exome Variant Server 0.00092; gnomAD 0.00098; TOPMed 0.00140; 1000 Genomes Project 30x 0.00156; 1000 Genomes Project 0.00160.
gnomAD v4.1: 1,062 of 1,614,214 alleles (0.066%); highest among the groups gnomAD compares: Middle Eastern, 0.68%; 6 homozygotes.

Submissions (7):

CeGaT Center for Human Genetics Tuebingen
Classification: Likely benign. Last evaluated: 2026-02-01. Review status: criteria provided, single submitter. Criteria: CeGaT Center For Human Genetics Tuebingen Variant Classification Criteria Version 2. Collection method: clinical testing. Allele origin: germline. Affected: yes. Observed: 4 variant alleles.
Comment: FLNB: BP4

Labcorp Genetics (formerly Invitae), Labcorp
Classification: Likely benign. Last evaluated: 2026-01-24. Review status: criteria provided, single submitter. Criteria: Invitae Variant Classification Sherloc (09022015). Collection method: clinical testing. Allele origin: germline.

PreventionGenetics, part of Exact Sciences
Classification: Likely benign for FLNB-related condition. Last evaluated: 2025-04-29. Review status: criteria provided, single submitter. Criteria: ACMG Guidelines, 2015. Collection method: clinical testing. Allele origin: germline.
Comment: This variant is classified as likely benign based on ACMG/AMP sequence variant interpretation guidelines (Richards et al. 2015 PMID: 25741868, with internal and published modifications).

Blueprint Genetics
Classification: Uncertain significance. Last evaluated: 2024-11-18. Review status: criteria provided, single submitter. Criteria: ACMG Guidelines, 2015. Collection method: clinical testing. Allele origin: germline.

Genome Diagnostics Laboratory, The Hospital for Sick Children
Classification: Uncertain significance for Connective tissue disorder. Last evaluated: 2021-05-21. Review status: criteria provided, single submitter. Criteria: ACMG Guidelines, 2015. Collection method: clinical testing. Allele origin: germline.

GeneDx
Classification: Likely benign. Last evaluated: 2019-03-01. Review status: criteria provided, single submitter. Criteria: GeneDx Variant Classification Process June 2021. Collection method: clinical testing. Allele origin: germline. Affected: yes.
Comment: This variant is associated with the following publications: (PMID: 23340843, 21714648)

Illumina Laboratory Services, Illumina
Classification: Uncertain significance for FLNB-Related Spectrum Disorders. Last evaluated: 2018-01-12. Review status: criteria provided, single submitter. Criteria: ICSL Variant Classification Criteria 13 December 2019. Collection method: clinical testing. Allele origin: germline.